The following is an entry in ClinVar:

NM_001848.3(COL6A1):c.930+189C>T

Gene: COL6A1 (collagen type VI alpha 1 chain; plus strand). Cytogenetic location: 21q22.3.
Variant type: single nucleotide variant.
Coding change: c.930+189C>T on transcript NM_001848.3 (MANE Select); 189 bases into the intron after coding-DNA position 930, C replaced by T.
Molecular consequence: intron variant.
Genome position (GRCh38, 1-based): chr21:45,989,967, C>T. VCF-style: chr21-45989967-C-T. GRCh37 (hg19) VCF-style: chr21-47409881-C-T.
Identifiers: ClinVar variation 542998 (VCV000542998.27), dbSNP rs1556425596, ClinGen allele CA658799468.

ClinVar aggregate classification (germline): Pathogenic/Likely pathogenic. Review status: criteria provided, multiple submitters, no conflicts (2 of 4 stars). 14 submissions from 13 submitters: Pathogenic (10); Likely pathogenic (2). 2 of the submissions do not count toward it. Last evaluated 2025-08-06.

Conditions:
COL6A1-related disorder. Also called: COL6A1-related condition.
Bethlem myopathy 1A. Also called: MYOPATHY, BENIGN CONGENITAL, WITH CONTRACTURES; Bethlem myopathy 1; Bethlem Muscular Dystrophy. Identifiers: Orphanet 610, MedGen CN029274, MONDO:0024530, OMIM 158810.
Ullrich congenital muscular dystrophy 1A. Also called: Ullrich congenital muscular dystrophy 1; Intermediate COL6-RD. Identifiers: Orphanet 75840, MedGen C0410179, MONDO:0009681, OMIM 254090.

Submissions (14):

Labcorp Genetics (formerly Invitae), Labcorp
Classification: Pathogenic for Bethlem myopathy 1A. Last evaluated: 2025-08-06. Review status: criteria provided, single submitter. Criteria: Invitae Variant Classification Sherloc (09022015). Collection method: clinical testing. Allele origin: germline.
Comment: This sequence change falls in intron 11 of the COL6A1 gene. It does not directly change the encoded amino acid sequence of the COL6A1 protein. RNA analysis indicates that this variant induces altered splicing and likely results in the gain of 24 amino acid residue(s), but is expected to preserve the integrity of the reading-frame. This variant is not present in population databases (gnomAD no frequency). This variant has been observed in individual(s) with autosomal dominant collagen VI–related dystrophy (PMID: 28424332). In at least one individual the variant was observed to be de novo. This variant is also known as chr21: 47,409,881 C>T. ClinVar contains an entry for this variant (Variation ID: 542998). Studies have shown that this variant results in the activation of a cryptic splice site in intron 11 (PMID: 28424332). For these reasons, this variant has been classified as Pathogenic.

Kariminejad - Najmabadi Pathology & Genetics Center
Classification: Likely pathogenic for Bethlem myopathy 1A; Ullrich congenital muscular dystrophy 1A. Last evaluated: 2023-11-06. Review status: criteria provided, single submitter. Criteria: ACMG Guidelines, 2015. Collection method: clinical testing. Allele origin: germline. Inheritance: Autosomal dominant inheritance. Affected: yes.
Comment: PM2,PP5-strong,PS3

Kariminejad - Najmabadi Pathology & Genetics Center
Classification: Likely pathogenic for Ullrich congenital muscular dystrophy 1A. Last evaluated: 2023-10-22. Review status: criteria provided, single submitter. Criteria: ACMG Guidelines, 2015. Collection method: clinical testing. Allele origin: germline. Inheritance: Autosomal dominant inheritance. Affected: yes.
Comment: PS2 PM2 PP5

GeneDx
Classification: Pathogenic. Last evaluated: 2023-05-30. Review status: criteria provided, single submitter. Criteria: GeneDx Variant Classification Process June 2021. Collection method: clinical testing. Allele origin: germline. Affected: yes.
Comment: Published functional studies demonstrate a damaging effect as c.930+189 C>T creates a cryptic splice donor site which pairs with a cryptic splice acceptor site 72 base pairs upstream, resulting in the inclusion of a pseudoexon of 24 amino acids within the well conserved N-terminal triple-helical G-X-Y repeat region of COL6A1, where disruption has been associated with pathogenicity (Cummings et al., 2017); No data available from ethnically-matched control populations to assess the frequency of this variant; In silico analysis supports a deleterious effect on splicing; This variant is associated with the following publications: (PMID: 34758253, 28424332, 30659139, 30895940, 31607746, 34167565, 37023487, 33441455, 32585628, 33977145)

Institute of Medical Genetics and Applied Genomics, University Hospital Tübingen
Classification: Pathogenic for Ullrich congenital muscular dystrophy 1A. Last evaluated: 2023-01-26. Review status: criteria provided, single submitter. Criteria: ACMG Guidelines, 2015. Collection method: clinical testing. Allele origin: germline. Inheritance: Autosomal dominant inheritance. Affected: yes.

Blueprint Genetics
Classification: Pathogenic for COL6A1-related disorders. Last evaluated: 2022-09-29. Review status: criteria provided, single submitter. Criteria: ACMG Guidelines, 2015. Collection method: clinical testing. Allele origin: de novo. Affected: yes. Observed: 2 variant alleles.

Revvity Omics, Revvity
Classification: Pathogenic. Last evaluated: 2022-04-05. Review status: criteria provided, single submitter. Criteria: ACMG Guidelines, 2015. Collection method: clinical testing. Allele origin: germline.

MGZ Medical Genetics Center
Classification: Pathogenic for Bethlem myopathy 1A. Last evaluated: 2021-10-19. Review status: criteria provided, single submitter. Criteria: ACMG Guidelines, 2015. Collection method: clinical testing. Allele origin: germline. Affected: yes. Observed: 1 variant allele.
Comment: ACMG criteria applied: PS3, PM4, PM6, PM2_SUP, PP1

Undiagnosed Diseases Network, NIH
Classification: Pathogenic for Bethlem myopathy 1A. Last evaluated: 2018-06-07. Review status: criteria provided, single submitter. Criteria: ACMG Guidelines, 2015. Collection method: clinical testing. Allele origin: de novo. Inheritance: Autosomal dominant inheritance. Affected: yes. Observed: 2 variant alleles. Study: Undiagnosed Diseases Network (NIH), UDN.

Baylor Genetics
Classification: Pathogenic for Ullrich congenital muscular dystrophy 1A. Last evaluated: 2018-05-08. Review status: criteria provided, single submitter. Criteria: ACMG Guidelines, 2015. Collection method: clinical testing. Allele origin: de novo. Affected: yes.
Comment: This variant was determined to be pathogenic according to ACMG Guidelines, 2015 [PMID:25741868]. This variant has been previously reported as disease-causing [PMID 28424332]

Eurofins Ntd Llc (ga)
Classification: Pathogenic. Last evaluated: 2018-02-15. Review status: criteria provided, single submitter. Criteria: EGL ClinVar v180209 classification definitions. Collection method: clinical testing. Allele origin: germline. Observed: 1 variant allele, 1 heterozygote.

Suma Genomics
Classification: Pathogenic for Bethlem myopathy 1A. Review status: criteria provided, single submitter. Criteria: ACMG Guidelines, 2015. Collection method: clinical testing. Allele origin: germline. Inheritance: Autosomal dominant inheritance. Affected: yes. Observed: 1 variant allele, 1 heterozygote.
Comment: This variant is not observed in the gnomAD database. ACMG classification: Pathogenic Criteria met: PS2_Verystrong, PS3_Supporting, PM2_Supporting, PP1_Strong, PP3_Moderate and PP4

GeneReviews
No classification provided. Condition: Bethlem myopathy 1A. Review status: no classification provided. Collection method: literature only. Allele origin: germline. Not counted in ClinVar's aggregate classification.
Comment: Common variant in intron 11 that induces an in-frame pseudoexon insertion

Genomics England Pilot Project, Genomics England
Classification: Likely pathogenic for Ullrich congenital muscular dystrophy 1A. Review status: no assertion criteria provided. Criteria: ACGS Guidelines, 2016. Collection method: clinical testing. Allele origin: germline. Affected: yes. Not counted in ClinVar's aggregate classification.

Literature cited by the submitters: PubMed 28424332 (cited by 3 submitters); PubMed 30895940 (cited by GeneReviews); PubMed 20301676 (cited by GeneReviews).